The following is an entry in ClinVar:

NM_144639.3(UROC1):c.563G>A (p.Arg188Gln)

Gene: UROC1 (urocanate hydratase 1; minus strand). Cytogenetic location: 3q21.3.
Variant type: single nucleotide variant.
Coding change: c.563G>A on transcript NM_144639.3 (MANE Select); coding-DNA position 563, G replaced by A.
Protein change: p.Arg188Gln; replaces arginine 188 with glutamine.
Molecular consequence: missense variant.
Genome position (GRCh38, 1-based): chr3:126,507,781, C>T on the plus strand (G>A on the coding strand, the complement: UROC1 is on the minus strand). VCF-style: chr3-126507781-C-T. GRCh37 (hg19) VCF-style: chr3-126226624-C-T.
Other names: c.563G>A, p.Arg188Gln (NM_001165974.2); short protein forms R188Q.
Identifiers: ClinVar variation 2654096 (VCV002654096.24), dbSNP rs143782037, ClinGen allele CA2591492.

ClinVar aggregate classification (germline): Likely benign (1 of 4 stars; one submission).

Allele frequency attached by ClinVar (database versions not stated): ExAC 0.00001; gnomAD exomes 0.00002; gnomAD 0.00003; TOPMed 0.00004; 1000 Genomes Project 30x 0.00031; 1000 Genomes Project 0.00040.

Submission:

CeGaT Center for Human Genetics Tuebingen
Classification: Likely benign. Last evaluated: 2023-01-01. Review status: criteria provided, single submitter. Criteria: CeGaT Center For Human Genetics Tuebingen Variant Classification Criteria Version 2. Collection method: clinical testing. Allele origin: germline. Affected: yes. Observed: 1 variant allele.
Comment: UROC1: BP4